The following is an entry in ClinVar:

ClinVar aggregate classification (germline): Uncertain significance. Review status: criteria provided, multiple submitters, no conflicts (2 of 4 stars). 2 submissions from 2 submitters: Uncertain significance (2). Last evaluated 2025-08-23.

Conditions:
Developmental and epileptic encephalopathy. Identifiers: MedGen C5779964, MONDO:0100620.
Inborn genetic diseases. Identifiers: MedGen C0950123, MeSH D030342.

Allele frequency attached by ClinVar (database versions not stated): gnomAD exomes below 0.00001.

Submissions (2):

Ambry Genetics
Classification: Uncertain significance for Inborn genetic diseases. Last evaluated: 2025-08-23. Review status: criteria provided, single submitter. Criteria: Ambry Variant Classification Scheme 2023. Collection method: clinical testing. Allele origin: germline.

Labcorp Genetics (formerly Invitae), Labcorp
Classification: Uncertain significance for Early-infantile DEE. Last evaluated: 2022-04-01. Review status: criteria provided, single submitter. Criteria: Invitae Variant Classification Sherloc (09022015). Collection method: clinical testing. Allele origin: germline.
Comment: This sequence change replaces methionine, which is neutral and non-polar, with threonine, which is neutral and polar, at codon 124 of the SLC25A22 protein (p.Met124Thr). This variant is not present in population databases (gnomAD no frequency). This variant has not been reported in the literature in individuals affected with SLC25A22-related conditions. Algorithms developed to predict the effect of missense changes on protein structure and function (SIFT, PolyPhen-2, Align-GVGD) all suggest that this variant is likely to be disruptive. In summary, the available evidence is currently insufficient to determine the role of this variant in disease. Therefore, it has been classified as a Variant of Uncertain Significance.

NM_001191061.2(SLC25A22):c.371T>C (p.Met124Thr)

Gene: SLC25A22 (solute carrier family 25 member 22; minus strand). Cytogenetic location: 11p15.5.
Variant type: single nucleotide variant.
Coding change: c.371T>C on transcript NM_001191061.2 (MANE Select); coding-DNA position 371, T replaced by C.
Protein change: p.Met124Thr; replaces methionine 124 with threonine.
Molecular consequence: missense variant.
Genome position (GRCh38, 1-based): chr11:792,911, A>G on the plus strand (T>C on the coding strand, the complement: SLC25A22 is on the minus strand). VCF-style: chr11-792911-A-G. GRCh37 (hg19) VCF-style: chr11-792911-A-G.
Other names: c.371T>C, p.Met124Thr (NM_001191060.2, NM_024698.6); c.371T>C (NM_024698.5); short protein forms M124T.
Identifiers: ClinVar variation 1990762 (VCV001990762.2), dbSNP rs2495011163, ClinGen allele CA378970796.